The following is an entry in ClinVar:

ClinVar aggregate classification (germline): Uncertain significance (1 of 4 stars; one submission).

Conditions:
Arrhythmogenic cardiomyopathy with wooly hair and keratoderma. Also called: Dilated cardiomyopathy with woolly hair and keratoderma; Arrhythmogenic cardiomyopathy with woolly hair and keratoderma; Carvajal syndrome; PALMOPLANTAR KERATODERMA WITH LEFT VENTRICULAR CARDIOMYOPATHY AND WOOLLY HAIR. Identifiers: Orphanet 65282, MedGen C1854063, MONDO:0011581, OMIM 605676.
Arrhythmogenic right ventricular dysplasia 8 (ARVD8). Also called: Arrhythmogenic Right Ventricular Dysplasia/Cardiomyopathy 8; ARRHYTHMOGENIC RIGHT VENTRICULAR CARDIOMYOPATHY 8; ARRHYTHMOGENIC RIGHT VENTRICULAR DYSPLASIA, FAMILIAL, 8. Identifiers: MedGen C1843896, MONDO:0011831, OMIM 607450.

Submission:

Labcorp Genetics (formerly Invitae), Labcorp
Classification: Uncertain significance for Arrhythmogenic cardiomyopathy with wooly hair and keratoderma; Arrhythmogenic right ventricular dysplasia 8. Last evaluated: 2022-07-05. Review status: criteria provided, single submitter. Criteria: Invitae Variant Classification Sherloc (09022015). Collection method: clinical testing. Allele origin: germline.
Comment: In summary, the available evidence is currently insufficient to determine the role of this variant in disease. Therefore, it has been classified as a Variant of Uncertain Significance. Algorithms developed to predict the effect of missense changes on protein structure and function (SIFT, PolyPhen-2, Align-GVGD) all suggest that this variant is likely to be disruptive. ClinVar contains an entry for this variant (Variation ID: 662710). This variant has not been reported in the literature in individuals affected with DSP-related conditions. This variant is not present in population databases (gnomAD no frequency). This sequence change replaces proline, which is neutral and non-polar, with arginine, which is basic and polar, at codon 2739 of the DSP protein (p.Pro2739Arg).

NM_004415.4(DSP):c.8216C>G (p.Pro2739Arg)

Gene: DSP (desmoplakin; plus strand). Cytogenetic location: 6p24.3.
Variant type: single nucleotide variant.
Coding change: c.8216C>G on transcript NM_004415.4 (MANE Select); coding-DNA position 8216, C replaced by G.
Protein change: p.Pro2739Arg; replaces proline 2739 with arginine.
Molecular consequence: missense variant.
Genome position (GRCh38, 1-based): chr6:7,585,478, C>G. VCF-style: chr6-7585478-C-G. GRCh37 (hg19) VCF-style: chr6-7585711-C-G.
Other names: c.6419C>G, p.Pro2140Arg (NM_001008844.3); c.6887C>G, p.Pro2296Arg (NM_001319034.2); c.8216C>G (LRG_423t1); short protein forms P2140R, P2296R, P2739R.
Identifiers: ClinVar variation 662710 (VCV000662710.9), dbSNP rs761527198, ClinGen allele CA362694689.
Genomic context (GRCh38, chr6:7,585,478, plus strand): 5'-CGTATGAGGCTGGCCAGCGCTTCCTGGAGTTCCAGTACCTCACGGGAGGTCTTGTTGACC[C>G]GGAAGTGCATGGGAGGATAAGCACCGAAGAAGCCATCCGGAAGGGGTTCATAGATGGCCG-3'
Protein context (NP_004406.2, residues 2729-2749): FQYLTGGLVD[Pro2739Arg]EVHGRISTEE